The following is an entry in ClinVar:

NM_024675.4(PALB2):c.143T>G (p.Ile48Ser)

Gene: PALB2 (partner and localizer of BRCA2; minus strand). Cytogenetic location: 16p12.2.
Variant type: single nucleotide variant.
Coding change: c.143T>G on transcript NM_024675.4 (MANE Select); coding-DNA position 143, T replaced by G.
Protein change: p.Ile48Ser; replaces isoleucine 48 with serine.
Molecular consequence: missense variant. On other transcripts: 5 prime UTR variant (8), intron variant (3).
Genome position (GRCh38, 1-based): chr16:23,637,918, A>C on the plus strand (T>G on the coding strand, the complement: PALB2 is on the minus strand). VCF-style: chr16-23637918-A-C. GRCh37 (hg19) VCF-style: chr16-23649239-A-C.
Other names: c.83T>G, p.Ile28Ser (NM_001407296.1); c.143T>G, p.Ile48Ser (NM_001407297.1, NM_001407298.1, NM_001407299.1 and 3 more transcripts); c.-743T>G (NM_001407304.1, NM_001407305.1, NM_001407306.1 and 5 more transcripts); c.48+3192T>G (NM_001407314.1); c.-105+3192T>G (NM_001407313.1, NM_001407312.1); short protein forms I28S, I48S.
Identifiers: ClinVar variation 3729069 (VCV003729069.2).
Genomic context (GRCh38, chr16:23,637,918, plus strand): 5'-TTTAGCTGCGGTGAGAGATCCTGCTGAGACAAACAATCTTGTTCTTCTACTGTTTTCTTA[A>C]TAGAATGCTTAATCTTTTCAGCTCTTTGGGCACGCTAGAGGAGACAAAAACAGCCCCAGA-3'
Protein context (NP_078951.2, residues 38-58): AQRAEKIKHS[Ile48Ser]KKTVEEQDCL

ClinVar aggregate classification (germline): Uncertain significance (1 of 4 stars; one submission).

Conditions:
Familial cancer of breast. Also called: Hereditary breast cancer; BREAST CANCER, FAMILIAL; hereditary breast carcinoma. Identifiers: Orphanet 227535, MedGen C0346153, MONDO:0016419, OMIM 114480. Disease mechanism: loss of function.

Submission:

Labcorp Genetics (formerly Invitae), Labcorp
Classification: Uncertain significance for Familial cancer of breast. Last evaluated: 2025-01-16. Review status: criteria provided, single submitter. Criteria: Invitae Variant Classification Sherloc (09022015). Collection method: clinical testing. Allele origin: germline.
Comment: This sequence change replaces isoleucine, which is neutral and non-polar, with serine, which is neutral and polar, at codon 48 of the PALB2 protein (p.Ile48Ser). This variant is not present in population databases (gnomAD no frequency). This variant has not been reported in the literature in individuals affected with PALB2-related conditions. An algorithm developed to predict the effect of missense changes on protein structure and function outputs the following: PolyPhen-2: "Benign". The serine amino acid residue is found in multiple mammalian species, which suggests that this missense change does not adversely affect protein function. In summary, the available evidence is currently insufficient to determine the role of this variant in disease. Therefore, it has been classified as a Variant of Uncertain Significance.